The following is an entry in ClinVar:

ClinVar aggregate classification (germline): Conflicting classifications of pathogenicity. Review status: criteria provided, conflicting classifications (1 of 4 stars). 5 submissions from 5 submitters: Uncertain significance (4); Likely benign (1). Last evaluated 2025-12-03.

Conditions:
Brugada syndrome 8 (BRGDA8). Identifiers: Orphanet 130, MedGen C2751083, MONDO:0013148, OMIM 613123.
Cardiovascular phenotype. Identifiers: MedGen CN230736.
Sick sinus syndrome 2, autosomal dominant (SSS2). Also called: SICK SINUS SYNDROME 2; SICK SINUS SYNDROME 2 WITH OR WITHOUT CARDIAC NONCOMPACTION AND/OR ASCENDING AORTA DILATION; ATRIAL FIBRILLATION WITH BRADYARRHYTHMIA; SINUS BRADYCARDIA SYNDROME, FAMILIAL, AUTOSOMAL DOMINANT; SINUS NODE DISEASE, FAMILIAL, AUTOSOMAL DOMINANT. Identifiers: Orphanet 166282, MedGen C1834144, MONDO:0008102, OMIM 163800.

Allele frequency attached by ClinVar (database versions not stated): gnomAD exomes 0.00004; gnomAD 0.00005 and 0.00007; TOPMed 0.00005; ExAC 0.00012; 1000 Genomes Project 0.00060; 1000 Genomes Project 30x 0.00062.
gnomAD v4.1: 51 of 1,552,348 alleles (0.0033%); highest among the groups gnomAD compares: Admixed American, 0.012%; no homozygotes.

Submissions (5):

Labcorp Genetics (formerly Invitae), Labcorp
Classification: Uncertain significance for Brugada syndrome 8. Last evaluated: 2025-12-03. Review status: criteria provided, single submitter. Criteria: Invitae Variant Classification Sherloc (09022015). Collection method: clinical testing. Allele origin: germline.
Comment: This sequence change replaces arginine, which is basic and polar, with histidine, which is basic and polar, at codon 1102 of the HCN4 protein (p.Arg1102His). The frequency data for this variant in the population databases is considered unreliable, as metrics indicate poor data quality at this position in the gnomAD database. This missense change has been observed in individual(s) with clinical features of HCN4-related conditions (PMID: 32508047). ClinVar contains an entry for this variant (Variation ID: 579697). Invitae Evidence Modeling of protein sequence and biophysical properties (such as structural, functional, and spatial information, amino acid conservation, physicochemical variation, residue mobility, and thermodynamic stability) indicates that this missense variant is not expected to disrupt HCN4 protein function with a negative predictive value of 95%. In summary, the available evidence is currently insufficient to determine the role of this variant in disease. Therefore, it has been classified as a Variant of Uncertain Significance.

Blueprint Genetics
Classification: Likely benign. Last evaluated: 2024-11-23. Review status: criteria provided, single submitter. Criteria: ACMG Guidelines, 2015. Collection method: clinical testing. Allele origin: germline.

Ambry Genetics
Classification: Uncertain significance for Cardiovascular phenotype. Last evaluated: 2024-07-02. Review status: criteria provided, single submitter. Criteria: Ambry Variant Classification Scheme 2023. Collection method: clinical testing. Allele origin: germline.
Comment: The p.R1102H variant (also known as c.3305G>A), located in coding exon 8 of the HCN4 gene, results from a G to A substitution at nucleotide position 3305. The arginine at codon 1102 is replaced by histidine, an amino acid with highly similar properties. This variant has been detected in individuals with sudden death and cardiac dysrhythmia; however, clinical details were limited and/or other variants in cardiac related genes were also detected (Campuzano O et al. Forensic Sci. Int. 2017 Feb;271:120-125). This amino acid position is not well conserved in available vertebrate species. In addition, this alteration is predicted to be tolerated by in silico analysis. Based on the available evidence, the clinical significance of this variant remains unclear.

Fulgent Genetics
Classification: Uncertain significance for Sick sinus syndrome 2, autosomal dominant; Brugada syndrome 8. Last evaluated: 2018-10-31. Review status: criteria provided, single submitter. Criteria: ACMG Guidelines, 2015. Collection method: clinical testing. Allele origin: unknown.

Breakthrough Genomics
Classification: Uncertain significance. Review status: criteria provided, single submitter. Criteria: ACMG Guidelines, 2015. Collection method: not provided. Allele origin: germline. Inheritance: Autosomal dominant inheritance. Affected: yes.

Literature cited by the submitters: PubMed 32508047 (cited by Labcorp Genetics (formerly Invitae), Labcorp and Ambry Genetics); PubMed 28086167 (cited by Ambry Genetics); PubMed 33552729 (cited by Ambry Genetics).

NM_005477.3(HCN4):c.3305G>A (p.Arg1102His)

Gene: HCN4 (hyperpolarization activated cyclic nucleotide gated potassium channel 4; minus strand). Cytogenetic location: 15q24.1.
Variant type: single nucleotide variant.
Coding change: c.3305G>A on transcript NM_005477.3 (MANE Select); coding-DNA position 3305, G replaced by A.
Protein change: p.Arg1102His; replaces arginine 1102 with histidine.
Molecular consequence: missense variant.
Genome position (GRCh38, 1-based): chr15:73,322,788, C>T on the plus strand (G>A on the coding strand, the complement: HCN4 is on the minus strand). VCF-style: chr15-73322788-C-T. GRCh37 (hg19) VCF-style: chr15-73615129-C-T.
Other names: short protein forms R1102H.
Identifiers: ClinVar variation 579697 (VCV000579697.15), dbSNP rs548130184, ClinGen allele CA7648850.